The following is an entry in ClinVar:

ClinVar aggregate classification (germline): Conflicting classifications of pathogenicity. Review status: criteria provided, conflicting classifications (1 of 4 stars). 2 submissions from 2 submitters: Uncertain significance (1); Likely benign (1). Last evaluated 2023-03-23.

Conditions:
Hereditary cancer-predisposing syndrome. Also called: Tumor predisposition; Hereditary Cancer Syndrome; Hereditary neoplastic syndrome; Neoplastic Syndromes, Hereditary. Identifiers: Orphanet 140162, MedGen C0027672, MeSH D009386, MONDO:0015356.
Hereditary breast ovarian cancer syndrome. Also called: Hereditary breast and ovarian cancer; Hereditary breast and ovarian cancer syndrome; Breast and ovarian cancer; BRCA1- and BRCA2-Associated Hereditary Breast and Ovarian Cancer; Hereditary breast and/or ovarian cancer syndrome; Hereditary breast and ovarian cancer syndrome (HBOC). Identifiers: Orphanet 145, MedGen C0677776, MeSH D061325, MONDO:0003582. Disease mechanism: loss of function.

Submissions (2):

University of Washington Department of Laboratory Medicine, University of Washington
Classification: Likely benign for Hereditary cancer-predisposing syndrome. Last evaluated: 2023-03-23. Review status: criteria provided, single submitter. Criteria: Dines et al. (Genet Med. 2020). Collection method: curation. Allele origin: germline.
Comment: Missense variant in a coldspot region where missense variants are very unlikely to be pathogenic (PMID:31911673).

BRCA2 exon 11 coldspot. Reclassification based on statistical prior probability.

Labcorp Genetics (formerly Invitae), Labcorp
Classification: Uncertain significance for Hereditary breast ovarian cancer syndrome. Last evaluated: 2021-02-22. Review status: criteria provided, single submitter. Criteria: Invitae Variant Classification Sherloc (09022015). Collection method: clinical testing. Allele origin: germline.
Comment: This sequence change replaces phenylalanine with serine at codon 2011 of the BRCA2 protein (p.Phe2011Ser). The phenylalanine residue is weakly conserved and there is a large physicochemical difference between phenylalanine and serine. This variant is not present in population databases (ExAC no frequency). This variant has not been reported in the literature in individuals with BRCA2-related conditions. Advanced modeling of protein sequence and biophysical properties (such as structural, functional, and spatial information, amino acid conservation, physicochemical variation, residue mobility, and thermodynamic stability) performed at Invitae indicates that this missense variant is not expected to disrupt BRCA2 protein function. In summary, the available evidence is currently insufficient to determine the role of this variant in disease. Therefore, it has been classified as a Variant of Uncertain Significance.

NM_000059.4(BRCA2):c.6032T>C (p.Phe2011Ser)

Gene: BRCA2 (BRCA2 DNA repair associated; plus strand). Cytogenetic location: 13q13.1.
Variant type: single nucleotide variant.
Coding change: c.6032T>C on transcript NM_000059.4 (MANE Select); coding-DNA position 6032, T replaced by C.
Protein change: p.Phe2011Ser; replaces phenylalanine 2011 with serine.
Molecular consequence: missense variant.
Genome position (GRCh38, 1-based): chr13:32,340,387, T>C. VCF-style: chr13-32340387-T-C. GRCh37 (hg19) VCF-style: chr13-32914524-T-C.
Other names: short protein forms F2011S.
Identifiers: ClinVar variation 1442143 (VCV001442143.9), dbSNP rs2137523459, ClinGen allele CA387787792.
Genomic context (GRCh38, chr13:32,340,387, plus strand): 5'-CTTCATTACAAAACGCAAGACAAGTGTTTTCTGAAATAGAAGATAGTACCAAGCAAGTCT[T>C]TTCCAAAGTATTGTTTAAAAGTAACGAACATTCAGACCAGCTCACAAGAGAAGAAAATAC-3'
Protein context (NP_000050.3, residues 2001-2021): SEIEDSTKQV[Phe2011Ser]SKVLFKSNEH